The following is an entry in ClinVar:

NM_031935.3(HMCN1):c.5346G>T (p.Lys1782Asn)

Gene: HMCN1 (hemicentin 1; plus strand). Cytogenetic location: 1q31.1.
Variant type: single nucleotide variant.
Coding change: c.5346G>T on transcript NM_031935.3 (MANE Select); coding-DNA position 5346, G replaced by T.
Protein change: p.Lys1782Asn; replaces lysine 1782 with asparagine.
Molecular consequence: missense variant.
Genome position (GRCh38, 1-based): chr1:186,018,228, G>T. VCF-style: chr1-186018228-G-T. GRCh37 (hg19) VCF-style: chr1-185987360-G-T.
Other names: short protein forms K1782N.
Identifiers: ClinVar variation 2048798 (VCV002048798.4), dbSNP rs755741155, ClinGen allele CA1292246.

ClinVar aggregate classification (germline): Uncertain significance (1 of 4 stars; one submission).

Allele frequency attached by ClinVar (database versions not stated): gnomAD exomes below 0.00001; ExAC 0.00001.
gnomAD v4.1: 2 of 1,612,858 alleles (0.00012%); highest among the groups gnomAD compares: Non-Finnish European, 0.00017%; no homozygotes.

Submission:

Labcorp Genetics (formerly Invitae), Labcorp
Classification: Uncertain significance. Last evaluated: 2022-01-03. Review status: criteria provided, single submitter. Criteria: Invitae Variant Classification Sherloc (09022015). Collection method: clinical testing. Allele origin: germline.
Comment: In summary, the available evidence is currently insufficient to determine the role of this variant in disease. Therefore, it has been classified as a Variant of Uncertain Significance. Algorithms developed to predict the effect of missense changes on protein structure and function are either unavailable or do not agree on the potential impact of this missense change (SIFT: "Tolerated"; PolyPhen-2: "Possibly Damaging"; Align-GVGD: "Class C0"). This variant has not been reported in the literature in individuals affected with HMCN1-related conditions. This variant is present in population databases (rs755741155, gnomAD 0.0009%). This sequence change replaces lysine, which is basic and polar, with asparagine, which is neutral and polar, at codon 1782 of the HMCN1 protein (p.Lys1782Asn).